The following is an entry in ClinVar:

NM_006742.3(PSKH1):c.1175C>T (p.Thr392Met)

Gene: PSKH1 (protein serine kinase H1; plus strand). Cytogenetic location: 16q22.1.
Variant type: single nucleotide variant.
Coding change: c.1175C>T on transcript NM_006742.3 (MANE Select); coding-DNA position 1175, C replaced by T.
Protein change: p.Thr392Met; replaces threonine 392 with methionine.
Molecular consequence: missense variant.
Genome position (GRCh38, 1-based): chr16:67,927,542, C>T. VCF-style: chr16-67927542-C-T. GRCh37 (hg19) VCF-style: chr16-67961445-C-T.
Other names: short protein forms T392M.
Identifiers: ClinVar variation 4989256 (VCV004989256.1).

ClinVar aggregate classification (germline): Uncertain significance (1 of 4 stars; one submission).

Conditions:
PSKH1-related condition.

gnomAD v4.1: 13 of 1,613,806 alleles (0.00081%); highest among the groups gnomAD compares: South Asian, 0.0022%; no homozygotes.

Submission:

PreventionGenetics, part of Exact Sciences
Classification: Uncertain significance for PSKH1-related condition. Last evaluated: 2026-04-30. Review status: criteria provided, single submitter. Criteria: ACMG Guidelines, 2015. Collection method: clinical testing. Allele origin: germline.
Comment: The PSKH1 c.1175C>T variant is predicted to result in the amino acid substitution p.Thr392Met. To our knowledge, this variant has not been reported in the literature. This variant is reported in 0.0026% of alleles in individuals of European (Non-Finnish) descent in gnomAD. At this time, the clinical significance of this variant is uncertain due to the absence of conclusive functional and genetic evidence.